The following is an entry in ClinVar:

NM_000548.5(TSC2):c.4909_4910del (p.Lys1637fs)

Gene: TSC2 (TSC complex subunit 2; plus strand). Cytogenetic location: 16p13.3.
Variant type: Deletion.
Coding change: c.4909_4910del on transcript NM_000548.5 (MANE Select); coding-DNA positions 4909 to 4910, 2 bases deleted (AA; older notation c.4909_4910delAA).
Protein change: p.Lys1637fs; shifts the reading frame from lysine 1637.
Molecular consequence: frameshift variant.
Genome position (GRCh38, 1-based): chr16:2,086,791-2,086,792, AA deleted. VCF-style (leftmost placement, unchanged base first): chr16-2086790-CAA-C. GRCh37 (hg19) VCF-style: chr16-2136791-CAA-C.
Other names: c.4708_4709del, p.Lys1570fs (NM_001077183.3); c.4840_4841del, p.Lys1614fs (NM_001114382.3); c.4600_4601del, p.Lys1534fs (NM_001318827.2); c.4564_4565del, p.Lys1522fs (NM_001318829.2); c.4177_4178del, p.Lys1393fs (NM_001318831.2); c.4741_4742del, p.Lys1581fs (NM_001318832.2); c.4711_4712del, p.Lys1571fs (NM_001363528.2); c.4777_4778del, p.Lys1593fs (NM_001370404.1); and 1 more; short protein forms K1534fs, K1571fs, K1614fs, K1522fs, K1570fs, K1593fs, K1393fs, K1581fs.
Identifiers: ClinVar variation 49881 (VCV000049881.4), dbSNP rs137854049, ClinGen allele CA021208.

ClinVar aggregate classification (germline): Pathogenic. Review status: criteria provided, single submitter (1 of 4 stars). 2 submissions from 2 submitters: Pathogenic (1). 1 of the submissions does not count toward it. Last evaluated 2024-11-06.

Conditions:
Tuberous sclerosis 2 (TSC2). Identifiers: Orphanet 805, MedGen C1860707, MONDO:0013199, OMIM 613254.
Tuberous sclerosis syndrome (TSC). Also called: Tuberous Sclerosis Complex; Tuberous sclerosis. Identifiers: Orphanet 805, MedGen C0041341, MONDO:0001734.

Submissions (2):

Labcorp Genetics (formerly Invitae), Labcorp
Classification: Pathogenic for Tuberous sclerosis 2. Last evaluated: 2024-11-06. Review status: criteria provided, single submitter. Criteria: Invitae Variant Classification Sherloc (09022015). Collection method: clinical testing. Allele origin: germline.
Comment: This sequence change creates a premature translational stop signal (p.Lys1637Glufs*15) in the TSC2 gene. It is expected to result in an absent or disrupted protein product. Loss-of-function variants in TSC2 are known to be pathogenic (PMID: 10205261, 17304050). This variant is not present in population databases (gnomAD no frequency). This premature translational stop signal has been observed in individual(s) with tuberous sclerosis complex (PMID: 16981987). ClinVar contains an entry for this variant (Variation ID: 49881). For these reasons, this variant has been classified as Pathogenic.

Tuberous sclerosis database (TSC2)
No classification provided. Condition: TSC. Review status: no classification provided. Criteria: Tuberous Sclerosis Database Assertion Criteria 2015. Collection method: curation. Allele origin: germline. Affected: yes. Not counted in ClinVar's aggregate classification.

Literature cited by the submitters: PubMed 10205261 (cited by Labcorp Genetics (formerly Invitae), Labcorp); PubMed 17304050 (cited by Labcorp Genetics (formerly Invitae), Labcorp); PubMed 16981987 (cited by Labcorp Genetics (formerly Invitae), Labcorp).